The following is an entry in ClinVar:

ClinVar aggregate classification (germline): Uncertain significance (1 of 4 stars; one submission).

Conditions:
Hereditary spastic paraplegia 11. Also called: Spastic Paraplegia 11; SPASTIC PARAPLEGIA, AUTOSOMAL RECESSIVE, COMPLICATED, WITH THIN CORPUS CALLOSUM; SPASTIC PARAPLEGIA, AUTOSOMAL RECESSIVE, WITH MENTAL IMPAIRMENT AND THIN CORPUS CALLOSUM; Nakamura Osame syndrome; Autosomal recessive hereditary spastic paraplegia, mental impairment, and thin corpus callosum; Spastic paraplegia, mental retardation and thin corpus callosum. Identifiers: Orphanet 2822, MedGen C1858479, MONDO:0011445, OMIM 604360.

Submission:

Labcorp Genetics (formerly Invitae), Labcorp
Classification: Uncertain significance for Hereditary spastic paraplegia 11. Last evaluated: 2020-11-03. Review status: criteria provided, single submitter. Criteria: Invitae Variant Classification Sherloc (09022015). Collection method: clinical testing. Allele origin: germline.
Comment: In summary, the available evidence is currently insufficient to determine the role of this variant in disease. Therefore, it has been classified as a Variant of Uncertain Significance. Nucleotide substitutions within the consensus splice site are a relatively common cause of aberrant splicing (PMID: 17576681, 9536098). Algorithms developed to predict the effect of sequence changes on RNA splicing suggest that this variant may disrupt the consensus splice site, but this prediction has not been confirmed by published transcriptional studies. This variant has not been reported in the literature in individuals with SPG11-related conditions. The frequency data for this variant in the population databases is not available, as this variant may be reported as separate entries in the ExAC database. This sequence change falls in intron 36 of the SPG11 gene. It does not directly change the encoded amino acid sequence of the SPG11 protein. It affects a nucleotide within the consensus splice site of the intron.

Literature cited by the submitters: PubMed 17576681; PubMed 9536098.

NM_025137.4(SPG11):c.6754+3_6754+4delinsAG

Gene: SPG11 (SPG11 vesicle trafficking associated, spatacsin; minus strand). Cytogenetic location: 15q21.1.
Variant type: Indel.
Coding change: c.6754+3_6754+4delinsAG on transcript NM_025137.4 (MANE Select); bases 3 to 4 of the intron after coding-DNA position 6754, GA replaced by AG.
Molecular consequence: intron variant.
Genome position (GRCh38, 1-based): chr15:44,567,420-44,567,421, TC replaced by CT on the plus strand (GA replaced by AG on the coding strand, the reverse complement: SPG11 is on the minus strand). VCF-style: chr15-44567420-TC-CT. GRCh37 (hg19) VCF-style: chr15-44859618-TC-CT.
Other names: c.6415+3_6415+4delinsAG (NM_001160227.2).
Identifiers: ClinVar variation 1524733 (VCV001524733.6), dbSNP rs2140916862, ClinGen allele CA2573150864.